The following is an entry in ClinVar:

ClinVar aggregate classification (germline): Uncertain significance (1 of 4 stars; one submission).

gnomAD v4.1: 1 of 1,614,208 alleles (0.000062%); highest among the groups gnomAD compares: Non-Finnish European, 0.000085%; no homozygotes.

Submission:

Ambry Genetics
Classification: Uncertain significance. Last evaluated: 2026-04-18. Review status: criteria provided, single submitter. Criteria: Ambry Variant Classification Scheme 2023. Collection method: clinical testing. Allele origin: germline.
Comment: The p.P77L variant (also known as c.230C>T), located in coding exon 1 of the RNF43 gene, results from a C to T substitution at nucleotide position 230. The proline at codon 77 is replaced by leucine, an amino acid with similar properties. This amino acid position is conserved. In addition, this alteration is predicted to be tolerated by in silico analysis. Based on the available evidence, the clinical significance of this variant remains unclear.

NM_017763.6(RNF43):c.230C>T (p.Pro77Leu)

Gene: RNF43 (ring finger protein 43; minus strand). Cytogenetic location: 17q22.
Variant type: single nucleotide variant.
Coding change: c.230C>T on transcript NM_017763.6 (MANE Select); coding-DNA position 230, C replaced by T.
Protein change: p.Pro77Leu; replaces proline 77 with leucine.
Molecular consequence: missense variant. On other transcripts: intron variant (1).
Genome position (GRCh38, 1-based): chr17:58,415,348, G>A on the plus strand (C>T on the coding strand, the complement: RNF43 is on the minus strand). VCF-style: chr17-58415348-G-A. GRCh37 (hg19) VCF-style: chr17-56492709-G-A.
Other names: c.230C>T, p.Pro77Leu (NM_001305544.3, NM_001438820.1, NM_001438821.1 and 1 more transcripts); c.-130+1669C>T (NM_001437987.1); short protein forms P77L.
Identifiers: ClinVar variation 4863400 (VCV004863400.1).